The following is an entry in ClinVar:

ClinVar aggregate classification (germline): Uncertain significance (1 of 4 stars; one submission).

Submission:

GeneDx
Classification: Uncertain significance. Last evaluated: 2024-12-05. Review status: criteria provided, single submitter. Criteria: GeneDx Variant Classification Process June 2021. Collection method: clinical testing. Allele origin: germline. Affected: yes.
Comment: Not observed at significant frequency in large population cohorts (gnomAD); In silico analysis indicates that this missense variant does not alter protein structure/function; Has not been previously published as pathogenic or benign to our knowledge; This variant is associated with the following publications: (PMID: 18034775)

NM_005188.4(CBL):c.52G>A (p.Gly18Arg)

Genes: CBL (Cbl proto-oncogene; plus strand), LOC130006895 (ATAC-STARR-seq lymphoblastoid silent region 3975; plus strand). Cytogenetic location: 11q23.3.
Variant type: single nucleotide variant.
Coding change: c.52G>A on transcript NM_005188.4 (MANE Select); coding-DNA position 52, G replaced by A.
Protein change: p.Gly18Arg; replaces glycine 18 with arginine.
Molecular consequence: missense variant.
Genome position (GRCh38, 1-based): chr11:119,206,469, G>A. VCF-style: chr11-119206469-G-A. GRCh37 (hg19) VCF-style: chr11-119077179-G-A.
Other names: short protein forms G18R.
Identifiers: ClinVar variation 3901701 (VCV003901701.1).